The following is an entry in ClinVar:

NC_000014.8:g.(?_74951108)_(74953149_?)del

Gene: NPC2 (NPC intracellular cholesterol transporter 2; minus strand). Cytogenetic location: 14q24.3.
Variant type: Deletion.
Identifiers: ClinVar variation 2425592 (VCV002425592.4).

ClinVar aggregate classification (germline): Pathogenic (1 of 4 stars; one submission).

Conditions:
Niemann-Pick disease, type C2 (NPC2). Identifiers: Orphanet 646, MedGen C1843366, MONDO:0011873, OMIM 607625.

Submission:

Labcorp Genetics (formerly Invitae), Labcorp
Classification: Pathogenic for Niemann-Pick disease, type C2. Last evaluated: 2022-06-28. Review status: criteria provided, single submitter. Criteria: Invitae Variant Classification Sherloc (09022015). Collection method: clinical testing. Allele origin: germline.
Comment: For these reasons, this variant has been classified as Pathogenic. A similar copy number variant has been observed in individual(s) with Niemann-Pick Type C (PMID: 27271431). This variant is a gross deletion of the genomic region encompassing exon(s) 2-3 of the NPC2 gene. This deletion is out-of-frame, and is expected to create a premature termination codon and result in an absent or disrupted protein product. Loss-of-function variants in NPC2 are known to be pathogenic (PMID: 25145893).

Literature cited by the submitters: PubMed 27271431; PubMed 25145893.